The following is an entry in ClinVar:

NM_003630.3(PEX3):c.434C>T (p.Ala145Val)

Gene: PEX3 (peroxisomal biogenesis factor 3; plus strand). Cytogenetic location: 6q24.2.
Variant type: single nucleotide variant.
Coding change: c.434C>T on transcript NM_003630.3 (MANE Select); coding-DNA position 434, C replaced by T.
Protein change: p.Ala145Val; replaces alanine 145 with valine.
Molecular consequence: missense variant.
Genome position (GRCh38, 1-based): chr6:143,471,063, C>T. VCF-style: chr6-143471063-C-T. GRCh37 (hg19) VCF-style: chr6-143792200-C-T.
Other names: short protein forms A145V.
Identifiers: ClinVar variation 1466762 (VCV001466762.6), dbSNP rs994418719, ClinGen allele CA149064297.

ClinVar aggregate classification (germline): Uncertain significance (1 of 4 stars; one submission).

Allele frequency attached by ClinVar (database versions not stated): TOPMed 0.00001; gnomAD exomes 0.00002.
gnomAD v4.1: 14 of 1,613,318 alleles (0.00087%); highest among the groups gnomAD compares: African/African-American, 0.0027%; no homozygotes.

Submission:

Labcorp Genetics (formerly Invitae), Labcorp
Classification: Uncertain significance. Last evaluated: 2024-05-29. Review status: criteria provided, single submitter. Criteria: Invitae Variant Classification Sherloc (09022015). Collection method: clinical testing. Allele origin: germline.
Comment: This sequence change replaces alanine, which is neutral and non-polar, with valine, which is neutral and non-polar, at codon 145 of the PEX3 protein (p.Ala145Val). This variant is not present in population databases (gnomAD no frequency). This variant has not been reported in the literature in individuals affected with PEX3-related conditions. ClinVar contains an entry for this variant (Variation ID: 1466762). Advanced modeling of protein sequence and biophysical properties (such as structural, functional, and spatial information, amino acid conservation, physicochemical variation, residue mobility, and thermodynamic stability) performed at Invitae indicates that this missense variant is not expected to disrupt PEX3 protein function with a negative predictive value of 80%. In summary, the available evidence is currently insufficient to determine the role of this variant in disease. Therefore, it has been classified as a Variant of Uncertain Significance.